The following is an entry in ClinVar:

ClinVar aggregate classification (germline): Uncertain significance. Review status: criteria provided, multiple submitters, no conflicts (2 of 4 stars). 2 submissions from 2 submitters: Uncertain significance (2). Last evaluated 2023-05-08.

Conditions:
Cardiovascular phenotype. Identifiers: MedGen CN230736.
Alstrom syndrome (ALMS). Identifiers: Orphanet 64, MedGen C0268425, MONDO:0008763, OMIM 203800.

Allele frequency attached by ClinVar (database versions not stated): gnomAD exomes below 0.00001; gnomAD 0.00001; TOPMed 0.00001; ESP Exome Variant Server 0.00008.
gnomAD v4.1: 2 of 1,613,832 alleles (0.00012%); highest among the groups gnomAD compares: African/African-American, 0.0027%; no homozygotes.

Submissions (2):

Ambry Genetics
Classification: Uncertain significance for Cardiovascular phenotype. Last evaluated: 2023-05-08. Review status: criteria provided, single submitter. Criteria: Ambry Variant Classification Scheme 2023. Collection method: clinical testing. Allele origin: germline.
Comment: The p.S4120A variant (also known as c.12358T>G), located in coding exon 21 of the ALMS1 gene, results from a T to G substitution at nucleotide position 12358. The serine at codon 4120 is replaced by alanine, an amino acid with similar properties. This amino acid position is well conserved in available vertebrate species. In addition, this alteration is predicted to be tolerated by in silico analysis. Since supporting evidence is limited at this time, the clinical significance of this alteration remains unclear.

Labcorp Genetics (formerly Invitae), Labcorp
Classification: Uncertain significance for Alstrom syndrome. Last evaluated: 2021-09-04. Review status: criteria provided, single submitter. Criteria: Invitae Variant Classification Sherloc (09022015). Collection method: clinical testing. Allele origin: germline.
Comment: This sequence change replaces serine with alanine at codon 4120 of the ALMS1 protein (p.Ser4120Ala). The serine residue is moderately conserved and there is a moderate physicochemical difference between serine and alanine. This variant is not present in population databases (ExAC no frequency). This variant has not been reported in the literature in individuals affected with ALMS1-related conditions. Experimental studies and prediction algorithms are not available or were not evaluated, and the functional significance of this variant is currently unknown. In summary, the available evidence is currently insufficient to determine the role of this variant in disease. Therefore, it has been classified as a Variant of Uncertain Significance.

NM_001378454.1(ALMS1):c.12355T>G (p.Ser4119Ala)

Gene: ALMS1 (ALMS1 centrosome and basal body associated protein; plus strand). Cytogenetic location: 2p13.1.
Variant type: single nucleotide variant.
Coding change: c.12355T>G on transcript NM_001378454.1 (MANE Select); coding-DNA position 12355, T replaced by G.
Protein change: p.Ser4119Ala; replaces serine 4119 with alanine.
Molecular consequence: missense variant.
Genome position (GRCh38, 1-based): chr2:73,603,297, T>G. VCF-style: chr2-73603297-T-G. GRCh37 (hg19) VCF-style: chr2-73830424-T-G.
Other names: c.12358T>G, p.Ser4120Ala (NM_015120.4); short protein forms S4120A, S4119A.
Identifiers: ClinVar variation 1423610 (VCV001423610.5), dbSNP rs372734481, ClinGen allele CA50338632.
Genomic context (GRCh38, chr2:73,603,297, plus strand): 5'-CTAGTCTTCCTGGCTATCCAGAAGAACAAGCCTATCAGCAAGAAGGAAATGATTCAGAGG[T>G]CCAAACGGTAAGACCAAGAAAACAAGAGTACGTATACAAGTGTAAACCAGGCCACCAAGT-3'
Protein context (NP_001365383.1, residues 4109-4129): PISKKEMIQR[Ser4119Ala]KRIYEQLPEV